The following is an entry in ClinVar:

NM_000553.6(WRN):c.585C>G (p.Ile195Met)

Gene: WRN (WRN RecQ like helicase; plus strand). Cytogenetic location: 8p12.
Variant type: single nucleotide variant.
Coding change: c.585C>G on transcript NM_000553.6 (MANE Select); coding-DNA position 585, C replaced by G.
Protein change: p.Ile195Met; replaces isoleucine 195 with methionine.
Molecular consequence: missense variant.
Genome position (GRCh38, 1-based): chr8:31,067,113, C>G. VCF-style: chr8-31067113-C-G. GRCh37 (hg19) VCF-style: chr8-30924629-C-G.
Other names: short protein forms I195M.
Identifiers: ClinVar variation 1063815 (VCV001063815.5), dbSNP rs927350912, ClinGen allele CA370916166.

ClinVar aggregate classification (germline): Uncertain significance (1 of 4 stars; one submission).

Conditions:
Werner syndrome (WRN). Identifiers: Orphanet 902, MedGen C0043119, MONDO:0010196, OMIM 277700.

Submission:

Labcorp Genetics (formerly Invitae), Labcorp
Classification: Uncertain significance for Werner syndrome. Last evaluated: 2022-04-07. Review status: criteria provided, single submitter. Criteria: Invitae Variant Classification Sherloc (09022015). Collection method: clinical testing. Allele origin: germline.
Comment: In summary, the available evidence is currently insufficient to determine the role of this variant in disease. Therefore, it has been classified as a Variant of Uncertain Significance. Algorithms developed to predict the effect of missense changes on protein structure and function are either unavailable or do not agree on the potential impact of this missense change (SIFT: "Not Available"; PolyPhen-2: "Possibly Damaging"; Align-GVGD: "Not Available"). ClinVar contains an entry for this variant (Variation ID: 1063815). This variant has not been reported in the literature in individuals affected with WRN-related conditions. This variant is not present in population databases (gnomAD no frequency). This sequence change replaces isoleucine, which is neutral and non-polar, with methionine, which is neutral and non-polar, at codon 195 of the WRN protein (p.Ile195Met).